The following is an entry in ClinVar:

NM_001083961.2(WDR62):c.3778T>G (p.Ser1260Ala)

Gene: WDR62 (WD repeat domain 62; plus strand). Cytogenetic location: 19q13.12.
Variant type: single nucleotide variant.
Coding change: c.3778T>G on transcript NM_001083961.2 (MANE Select); coding-DNA position 3778, T replaced by G.
Protein change: p.Ser1260Ala; replaces serine 1260 with alanine.
Molecular consequence: missense variant.
Genome position (GRCh38, 1-based): chr19:36,103,606, T>G. VCF-style: chr19-36103606-T-G. GRCh37 (hg19) VCF-style: chr19-36594508-T-G.
Other names: c.3763T>G, p.Ser1255Ala (NM_173636.5); short protein forms S1255A, S1260A.
Identifiers: ClinVar variation 1516605 (VCV001516605.6), dbSNP rs572662697, ClinGen allele CA9396390.

ClinVar aggregate classification (germline): Uncertain significance (1 of 4 stars; one submission).

Allele frequency attached by ClinVar (database versions not stated): TOPMed below 0.00001; ExAC 0.00001; gnomAD 0.00001; 1000 Genomes Project 30x 0.00016; 1000 Genomes Project 0.00020.
gnomAD v4.1: 2 of 1,612,748 alleles (0.00012%); highest among the groups gnomAD compares: African/African-American, 0.0027%; no homozygotes.

Submission:

Labcorp Genetics (formerly Invitae), Labcorp
Classification: Uncertain significance. Last evaluated: 2024-11-04. Review status: criteria provided, single submitter. Criteria: Invitae Variant Classification Sherloc (09022015). Collection method: clinical testing. Allele origin: germline.
Comment: This sequence change replaces serine, which is neutral and polar, with alanine, which is neutral and non-polar, at codon 1260 of the WDR62 protein (p.Ser1260Ala). This variant is not present in population databases (gnomAD no frequency). This variant has not been reported in the literature in individuals affected with WDR62-related conditions. ClinVar contains an entry for this variant (Variation ID: 1516605). An algorithm developed to predict the effect of missense changes on protein structure and function (PolyPhen-2) suggests that this variant is likely to be tolerated. In summary, the available evidence is currently insufficient to determine the role of this variant in disease. Therefore, it has been classified as a Variant of Uncertain Significance.